The following is an entry in ClinVar:

NM_001134831.2(AHI1):c.2755G>A (p.Asp919Asn)

Gene: AHI1 (Abelson helper integration site 1; minus strand). Cytogenetic location: 6q23.3.
Variant type: single nucleotide variant.
Coding change: c.2755G>A on transcript NM_001134831.2 (MANE Select); coding-DNA position 2755, G replaced by A.
Protein change: p.Asp919Asn; replaces aspartic acid 919 with asparagine.
Molecular consequence: missense variant.
Genome position (GRCh38, 1-based): chr6:135,427,176, C>T on the plus strand (G>A on the coding strand, the complement: AHI1 is on the minus strand). VCF-style: chr6-135427176-C-T. GRCh37 (hg19) VCF-style: chr6-135748314-C-T.
Other names: c.2755G>A, p.Asp919Asn (NM_001134830.2, NM_001134832.2, NM_001350503.2 and 2 more transcripts); short protein forms D919N.
Identifiers: ClinVar variation 2155021 (VCV002155021.4), dbSNP rs773959302, ClinGen allele CA4012287.

ClinVar aggregate classification (germline): Uncertain significance. Review status: criteria provided, multiple submitters, no conflicts (2 of 4 stars). 2 submissions from 2 submitters: Uncertain significance (2). Last evaluated 2024-02-24.

Conditions:
Joubert syndrome. Also called: JOUBERT-BOLTSHAUSER SYNDROME; Familial aplasia of the vermis. Identifiers: Orphanet 475, MedGen C5979921, MONDO:0018772.

Allele frequency attached by ClinVar (database versions not stated): gnomAD 0.00001; gnomAD exomes 0.00001; ExAC 0.00002.
gnomAD v4.1: 13 of 1,609,148 alleles (0.00081%); highest among the groups gnomAD compares: Admixed American, 0.005%; no homozygotes.

Submissions (2):

Labcorp Genetics (formerly Invitae), Labcorp
Classification: Uncertain significance for Joubert syndrome. Last evaluated: 2024-02-24. Review status: criteria provided, single submitter. Criteria: Invitae Variant Classification Sherloc (09022015). Collection method: clinical testing. Allele origin: germline.
Comment: This sequence change replaces aspartic acid, which is acidic and polar, with asparagine, which is neutral and polar, at codon 919 of the AHI1 protein (p.Asp919Asn). This variant is present in population databases (rs773959302, gnomAD 0.003%). This variant has not been reported in the literature in individuals affected with AHI1-related conditions. ClinVar contains an entry for this variant (Variation ID: 2155021). Advanced modeling of protein sequence and biophysical properties (such as structural, functional, and spatial information, amino acid conservation, physicochemical variation, residue mobility, and thermodynamic stability) performed at Invitae indicates that this missense variant is not expected to disrupt AHI1 protein function with a negative predictive value of 80%. In summary, the available evidence is currently insufficient to determine the role of this variant in disease. Therefore, it has been classified as a Variant of Uncertain Significance.

Blueprint Genetics
Classification: Uncertain significance. Last evaluated: 2021-01-19. Review status: criteria provided, single submitter. Criteria: ACMG Guidelines, 2015. Collection method: clinical testing. Allele origin: germline.